The following is an entry in ClinVar:

ClinVar aggregate classification (germline): Uncertain significance. Review status: criteria provided, multiple submitters, no conflicts (2 of 4 stars). 2 submissions from 2 submitters: Uncertain significance (2). Last evaluated 2025-03-13.

Conditions:
Pontocerebellar hypoplasia type 3 (PCH3). Also called: CEREBELLAR ATROPHY WITH PROGRESSIVE MICROCEPHALY; PCH WITH OPTIC ATROPHY. Identifiers: Orphanet 97249, MedGen C1842687, MONDO:0011948, OMIM 608027.

Allele frequency attached by ClinVar (database versions not stated): gnomAD 0.00001; TOPMed 0.00001; gnomAD exomes 0.00002 and 0.00004; ExAC 0.00005; 1000 Genomes Project 30x 0.00016; 1000 Genomes Project 0.00020.
gnomAD v4.1: 38 of 1,613,960 alleles (0.0024%); highest among the groups gnomAD compares: South Asian, 0.019%; no homozygotes.

Submissions (2):

Labcorp Genetics (formerly Invitae), Labcorp
Classification: Uncertain significance. Last evaluated: 2025-03-13. Review status: criteria provided, single submitter. Criteria: Invitae Variant Classification Sherloc (09022015). Collection method: clinical testing. Allele origin: germline.
Comment: This sequence change replaces serine, which is neutral and polar, with threonine, which is neutral and polar, at codon 1741 of the PCLO protein (p.Ser1741Thr). This variant is present in population databases (rs544116999, gnomAD 0.03%). This variant has not been reported in the literature in individuals affected with PCLO-related conditions. ClinVar contains an entry for this variant (Variation ID: 1342486). Experimental studies and prediction algorithms are not available or were not evaluated, and the functional significance of this variant is currently unknown. In summary, the available evidence is currently insufficient to determine the role of this variant in disease. Therefore, it has been classified as a Variant of Uncertain Significance.

New York Genome Center
Classification: Uncertain significance for Pontocerebellar hypoplasia type 3. Last evaluated: 2021-04-25. Review status: criteria provided, single submitter. Criteria: NYGC Assertion Criteria 2020. Collection method: clinical testing. Allele origin: inherited. Observed: 1 heterozygote. Study: CSER-NYCKidSeq.

NM_033026.6(PCLO):c.5222G>C (p.Ser1741Thr)

Gene: PCLO (piccolo presynaptic cytomatrix protein; minus strand). Cytogenetic location: 7q21.11.
Variant type: single nucleotide variant.
Coding change: c.5222G>C on transcript NM_033026.6 (MANE Select); coding-DNA position 5222, G replaced by C.
Protein change: p.Ser1741Thr; replaces serine 1741 with threonine.
Molecular consequence: missense variant.
Genome position (GRCh38, 1-based): chr7:82,955,731, C>G on the plus strand (G>C on the coding strand, the complement: PCLO is on the minus strand). VCF-style: chr7-82955731-C-G. GRCh37 (hg19) VCF-style: chr7-82585047-C-G.
Other names: c.5222G>C, p.Ser1741Thr (NM_014510.3); short protein forms S1741T.
Identifiers: ClinVar variation 1342486 (VCV001342486.6), dbSNP rs544116999, ClinGen allele CA4320690.
Genomic context (GRCh38, chr7:82,955,731, plus strand): 5'-CTGTGCCGAGCTTTGCGTTGCTGTTTGCTCTCTCCTTTTTTGTGACTCGGGCTACTGTCA[C>G]TGTCCTCATCAAGTGATGATACTGATGTAGGGGATGTACCAGGAGTGAAGCTGGAAGCAT-3'
Protein context (NP_149015.2, residues 1731-1751): PTSVSSLDED[Ser1741Thr]DSSPSHKKGE